The following is an entry in ClinVar:

NM_000095.3(COMP):c.2090T>C (p.Val697Ala)

Gene: COMP (cartilage oligomeric matrix protein; minus strand). Cytogenetic location: 19p13.11.
Variant type: single nucleotide variant.
Coding change: c.2090T>C on transcript NM_000095.3 (MANE Select); coding-DNA position 2090, T replaced by C.
Protein change: p.Val697Ala; replaces valine 697 with alanine.
Molecular consequence: missense variant.
Genome position (GRCh38, 1-based): chr19:18,783,191, A>G on the plus strand (T>C on the coding strand, the complement: COMP is on the minus strand). VCF-style: chr19-18783191-A-G. GRCh37 (hg19) VCF-style: chr19-18894001-A-G.
Other names: c.2090T>C (NM_000095.2); short protein forms V697A.
Identifiers: ClinVar variation 1895964 (VCV001895964.6), dbSNP rs764317174, ClinGen allele CA9316172.

ClinVar aggregate classification (germline): Uncertain significance. Review status: criteria provided, multiple submitters, no conflicts (2 of 4 stars). 2 submissions from 2 submitters: Uncertain significance (2). Last evaluated 2025-08-04.

Conditions:
Inborn genetic diseases. Identifiers: MedGen C0950123, MeSH D030342.

Allele frequency attached by ClinVar (database versions not stated): gnomAD 0.00003; ExAC 0.00002; gnomAD exomes 0.00002; TOPMed 0.00002.
gnomAD v4.1: 26 of 1,607,276 alleles (0.0016%); highest among the groups gnomAD compares: Non-Finnish European, 0.002%; no homozygotes.

Submissions (2):

Ambry Genetics
Classification: Uncertain significance for Inborn genetic diseases. Last evaluated: 2025-08-04. Review status: criteria provided, single submitter. Criteria: Ambry Variant Classification Scheme 2023. Collection method: clinical testing. Allele origin: germline.

Labcorp Genetics (formerly Invitae), Labcorp
Classification: Uncertain significance. Last evaluated: 2025-08-03. Review status: criteria provided, single submitter. Criteria: Invitae Variant Classification Sherloc (09022015). Collection method: clinical testing. Allele origin: germline.
Comment: This sequence change replaces valine, which is neutral and non-polar, with alanine, which is neutral and non-polar, at codon 697 of the COMP protein (p.Val697Ala). This variant is present in population databases (rs764317174, gnomAD 0.007%). This variant has not been reported in the literature in individuals affected with COMP-related conditions. ClinVar contains an entry for this variant (Variation ID: 1895964). An algorithm developed to predict the effect of missense changes on protein structure and function (PolyPhen-2) suggests that this variant is likely to be disruptive. In summary, the available evidence is currently insufficient to determine the role of this variant in disease. Therefore, it has been classified as a Variant of Uncertain Significance.